The following is an entry in ClinVar:

ClinVar aggregate classification (germline): Uncertain significance (1 of 4 stars; one submission).

Conditions:
Focal segmental glomerulosclerosis 7 (FSGS7). Identifiers: Orphanet 656, MedGen C4014925, MONDO:0014451, OMIM 616002.
Renal coloboma syndrome (PAPRS). Also called: OPTIC COLOBOMA, VESICOURETERAL REFLUX, AND RENAL ANOMALIES; OPTIC NERVE COLOBOMA WITH RENAL DISEASE; RENAL-COLOBOMA SYNDROME WITH MACULAR ABNORMALITIES; PAPILLORENAL SYNDROME; COLOBOMA OF OPTIC NERVE WITH RENAL DISEASE; PAPILLORENAL SYNDROME WITH MILD OCULAR ABNORMALITIES. Identifiers: Orphanet 1475, MedGen C1852759, MONDO:0007352, OMIM 120330.

Allele frequency attached by ClinVar (database versions not stated): gnomAD 0.00002; gnomAD exomes 0.00002; ExAC 0.00003; TOPMed 0.00005.
gnomAD v4.1: 32 of 1,606,530 alleles (0.002%); highest among the groups gnomAD compares: East Asian, 0.0045%; no homozygotes.

Submission:

Labcorp Genetics (formerly Invitae), Labcorp
Classification: Uncertain significance for Renal coloboma syndrome; Focal segmental glomerulosclerosis 7. Last evaluated: 2025-09-08. Review status: criteria provided, single submitter. Criteria: Invitae Variant Classification Sherloc (09022015). Collection method: clinical testing. Allele origin: germline.
Comment: This sequence change replaces arginine, which is basic and polar, with histidine, which is basic and polar, at codon 308 of the PAX2 protein (p.Arg308His). This variant is present in population databases (rs777054297, gnomAD 0.008%). This variant has not been reported in the literature in individuals affected with PAX2-related conditions. ClinVar contains an entry for this variant (Variation ID: 2924528). An algorithm developed to predict the effect of missense changes on protein structure and function (PolyPhen-2) suggests that this variant is likely to be disruptive. In summary, the available evidence is currently insufficient to determine the role of this variant in disease. Therefore, it has been classified as a Variant of Uncertain Significance.

NM_000278.5(PAX2):c.923G>A (p.Arg308His)

Gene: PAX2 (paired box 2; plus strand). Cytogenetic location: 10q24.31.
Variant type: single nucleotide variant.
Coding change: c.923G>A on transcript NM_000278.5 (MANE Select); coding-DNA position 923, G replaced by A.
Protein change: p.Arg308His; replaces arginine 308 with histidine.
Molecular consequence: missense variant.
Genome position (GRCh38, 1-based): chr10:100,824,651, G>A. VCF-style: chr10-100824651-G-A. GRCh37 (hg19) VCF-style: chr10-102584408-G-A.
Other names: c.1016G>A, p.Arg339His (NM_001304569.2); c.992G>A, p.Arg331His (NM_003987.5, NM_003990.5); c.923G>A, p.Arg308His (NM_003988.5, NM_003989.5); short protein forms R308H, R331H, R339H.
Identifiers: ClinVar variation 2924528 (VCV002924528.3), dbSNP rs777054297, ClinGen allele CA5650915.